The following is an entry in ClinVar:

NM_001386993.1(CTCFL):c.1563A>G (p.Lys521=)

Gene: CTCFL (CCCTC-binding factor like; minus strand). Cytogenetic location: 20q13.31.
Variant type: single nucleotide variant.
Coding change: c.1563A>G on transcript NM_001386993.1 (MANE Select); coding-DNA position 1563, A replaced by G.
Protein change: p.Lys521=; no amino-acid change (lysine 521 retained).
Molecular consequence: synonymous variant. On other transcripts: non-coding transcript variant (1).
Genome position (GRCh38, 1-based): chr20:57,508,717, T>C on the plus strand (A>G on the coding strand, the complement: CTCFL is on the minus strand). VCF-style: chr20-57508717-T-C. GRCh37 (hg19) VCF-style: chr20-56083773-T-C.
Other names: NC_000020.10:g.56083773T>C; c.948A>G, p.Lys316= (NM_001269049.2, NM_001269050.3); c.777A>G, p.Lys259= (NM_001269054.2, NM_001269055.3); c.1563A>G, p.Lys521= (NM_001386994.1, NM_001386995.1, NM_080618.4 and 7 more transcripts); c.1413A>G, p.Lys471= (NM_001386997.1, NM_001269046.2); c.1131A>G, p.Lys377= (NM_001269048.3).
Identifiers: ClinVar variation 2652425 (VCV002652425.25), dbSNP rs73625093, ClinGen allele CA9921333.

ClinVar aggregate classification (germline): Likely benign (1 of 4 stars; one submission).

Allele frequency attached by ClinVar (database versions not stated): 1000 Genomes Project 0.00100; 1000 Genomes Project 30x 0.00125; TOPMed 0.00157; gnomAD 0.00163; gnomAD exomes 0.00178; ExAC 0.00185; ESP Exome Variant Server 0.00208.
gnomAD v4.1: 2,867 of 1,614,176 alleles (0.18%); highest among the groups gnomAD compares: Middle Eastern, 0.69%; 8 homozygotes.

Submissions (2):

CeGaT Center for Human Genetics Tuebingen
Classification: Likely benign. Last evaluated: 2022-11-01. Review status: criteria provided, single submitter. Criteria: CeGaT Center For Human Genetics Tuebingen Variant Classification Criteria Version 2. Collection method: clinical testing. Allele origin: germline. Affected: yes. Observed: 1 variant allele.
Comment: CTCFL: BP4, BP7

Dr. Peter K. Rogan Lab, Western University
No classification provided (evidence only). Condition: Malignant tumor of urinary bladder. Review status: no classification provided. Collection method: in vitro. Allele origin: not applicable. Functional consequence: retained intron. Not counted in ClinVar's aggregate classification.